The following is an entry in ClinVar:

NM_003114.5(SPAG1):c.427-3T>C

Gene: SPAG1 (sperm associated antigen 1; plus strand). Cytogenetic location: 8q22.2.
Variant type: single nucleotide variant.
Coding change: c.427-3T>C on transcript NM_003114.5 (MANE Select); 3 bases into the intron before coding-DNA position 427, T replaced by C.
Molecular consequence: intron variant.
Genome position (GRCh38, 1-based): chr8:100,183,372, T>C. VCF-style: chr8-100183372-T-C. GRCh37 (hg19) VCF-style: chr8-101195600-T-C.
Other names: c.427-3T>C (NM_001374321.1, NM_172218.3).
Identifiers: ClinVar variation 474662 (VCV000474662.6), dbSNP rs778136474, ClinGen allele CA4827257.

ClinVar aggregate classification (germline): Uncertain significance (1 of 4 stars; one submission).

Conditions:
Primary ciliary dyskinesia 28. Also called: CILIARY DYSKINESIA, PRIMARY, 28, WITH OR WITHOUT SITUS INVERSUS. Identifiers: Orphanet 244, MedGen C3809706, MONDO:0014216, OMIM 615505.

Allele frequency attached by ClinVar (database versions not stated): gnomAD exomes 0.00001 and 0.00004; TOPMed 0.00003; ExAC 0.00004.

Submission:

Labcorp Genetics (formerly Invitae), Labcorp
Classification: Uncertain significance for Primary ciliary dyskinesia 28. Last evaluated: 2021-08-31. Review status: criteria provided, single submitter. Criteria: Invitae Variant Classification Sherloc (09022015). Collection method: clinical testing. Allele origin: germline.
Comment: This sequence change falls in intron 4 of the SPAG1 gene. It does not directly change the encoded amino acid sequence of the SPAG1 protein. It affects a nucleotide within the consensus splice site of the intron. This variant is present in population databases (rs778136474, ExAC 0.04%). This variant has not been reported in the literature in individuals affected with SPAG1-related conditions. ClinVar contains an entry for this variant (Variation ID: 474662). Variants that disrupt the consensus splice site are a relatively common cause of aberrant splicing (PMID: 17576681, 9536098). Algorithms developed to predict the effect of sequence changes on RNA splicing suggest that this variant is not likely to affect RNA splicing. In summary, the available evidence is currently insufficient to determine the role of this variant in disease. Therefore, it has been classified as a Variant of Uncertain Significance.

Literature cited by the submitters: PubMed 17576681; PubMed 9536098.